The following is an entry in ClinVar:

NM_000051.4(ATM):c.1792A>C (p.Ile598Leu)

Gene: ATM (ATM serine/threonine kinase; plus strand). Cytogenetic location: 11q22.3.
Variant type: single nucleotide variant.
Coding change: c.1792A>C on transcript NM_000051.4 (MANE Select); coding-DNA position 1792, A replaced by C.
Protein change: p.Ile598Leu; replaces isoleucine 598 with leucine.
Molecular consequence: missense variant.
Genome position (GRCh38, 1-based): chr11:108,252,021, A>C. VCF-style: chr11-108252021-A-C. GRCh37 (hg19) VCF-style: chr11-108122748-A-C.
Other names: c.1792A>C, p.Ile598Leu (NM_001351834.2); short protein forms I598L.
Identifiers: ClinVar variation 489515 (VCV000489515.21), dbSNP rs730881343, ClinGen allele CA382535553.
Genomic context (GRCh38, chr11:108,252,021, plus strand): 5'-AAATGGCTCTTATTCTATCAGTTAGAGGGTGACTTAGAAAATAGCACAGAAGTGCCTCCA[A>C]TTCTTCACAGGTAATTTAAGTTCATTAGCATGCTGCTGTTTTTTTTGTTTGTTTTATCAG-3'
Protein context (NP_000042.3, residues 588-608): DLENSTEVPP[Ile598Leu]LHSNFPHLVL

ClinVar aggregate classification (germline): Uncertain significance. Review status: criteria provided, multiple submitters, no conflicts (2 of 4 stars). 5 submissions from 5 submitters: Uncertain significance (4). 1 of the submissions does not count toward it. Last evaluated 2025-11-03.

Conditions:
Hereditary cancer-predisposing syndrome. Also called: Tumor predisposition; Neoplastic Syndromes, Hereditary; Hereditary Cancer Syndrome; Hereditary neoplastic syndrome. Identifiers: Orphanet 140162, MedGen C0027672, MeSH D009386, MONDO:0015356.
Ataxia-telangiectasia syndrome (AT). Also called: Ataxia-telangiectasia; Ataxia-telangiectasia, complementation group D; AT, COMPLEMENTATION GROUP C; LOUIS-BAR SYNDROME; Cerebello-oculocutaneous telangiectasia; Immunodeficiency with ataxia telangiectasia. Identifiers: Orphanet 100, MedGen C0004135, MONDO:0008840, OMIM 208900.

Submissions (5):

Labcorp Genetics (formerly Invitae), Labcorp
Classification: Uncertain significance for Ataxia-telangiectasia syndrome. Last evaluated: 2025-11-03. Review status: criteria provided, single submitter. Criteria: Invitae Variant Classification Sherloc (09022015). Collection method: clinical testing. Allele origin: germline.
Comment: This sequence change replaces isoleucine, which is neutral and non-polar, with leucine, which is neutral and non-polar, at codon 598 of the ATM protein (p.Ile598Leu). This variant is not present in population databases (gnomAD no frequency). This variant has not been reported in the literature in individuals affected with ATM-related conditions. ClinVar contains an entry for this variant (Variation ID: 489515). Invitae Evidence Modeling of protein sequence and biophysical properties (such as structural, functional, and spatial information, amino acid conservation, physicochemical variation, residue mobility, and thermodynamic stability) indicates that this missense variant is not expected to disrupt ATM protein function with a negative predictive value of 95%. In summary, the available evidence is currently insufficient to determine the role of this variant in disease. Therefore, it has been classified as a Variant of Uncertain Significance.

Molecular Pathology, Peter Maccallum Cancer Centre
Classification: Uncertain significance for Ataxia-telangiectasia syndrome. Last evaluated: 2025-01-30. Review status: criteria provided, single submitter. Criteria: ACMG Guidelines, 2015. Collection method: clinical testing. Allele origin: germline. Inheritance: Autosomal recessive inheritance.

Ambry Genetics
Classification: Uncertain significance for Hereditary cancer-predisposing syndrome. Last evaluated: 2022-09-13. Review status: criteria provided, single submitter. Criteria: Ambry Variant Classification Scheme 2023. Collection method: clinical testing. Allele origin: germline.
Comment: The p.I598L variant (also known as c.1792A>C), located in coding exon 10 of the ATM gene, results from an A to C substitution at nucleotide position 1792. The isoleucine at codon 598 is replaced by leucine, an amino acid with highly similar properties. This variant was detected in 1/333 Polish patients with ovarian cancer (Koczkowska M et al. Cancers (Basel), 2018 Nov;10:). This amino acid position is poorly conserved in available vertebrate species. In addition, this alteration is predicted to be tolerated by in silico analysis. Since supporting evidence is limited at this time, the clinical significance of this alteration remains unclear.

Color Diagnostics, LLC DBA Color Health
Classification: Uncertain significance for Hereditary cancer-predisposing syndrome. Last evaluated: 2019-06-07. Review status: criteria provided, single submitter. Criteria: ACMG Guidelines, 2015. Collection method: clinical testing. Allele origin: germline.

Natera, Inc.
Classification: Uncertain significance for Ataxia-telangiectasia. Last evaluated: 2020-11-14. Review status: no assertion criteria provided. Collection method: clinical testing. Allele origin: germline. Not counted in ClinVar's aggregate classification.

Literature cited by the submitters: PubMed 30441849 (cited by Ambry Genetics).